The following is an entry in ClinVar:

ClinVar aggregate classification (germline): Likely benign. Review status: criteria provided, multiple submitters, no conflicts (2 of 4 stars). 2 submissions from 2 submitters: Likely benign (2). Last evaluated 2023-12-16.

Conditions:
Inborn genetic diseases. Identifiers: MedGen C0950123, MeSH D030342.

Allele frequency attached by ClinVar (database versions not stated): gnomAD exomes 0.00003 and 0.00009; ExAC 0.00014; 1000 Genomes Project 30x 0.00016; 1000 Genomes Project 0.00020; TOPMed 0.00034; gnomAD 0.00036 and 0.00039; ESP Exome Variant Server 0.00046.
gnomAD v4.1: 93 of 1,607,056 alleles (0.0058%); highest among the groups gnomAD compares: African/African-American, 0.11%; no homozygotes.

Submissions (2):

Ambry Genetics
Classification: Likely benign for Inborn genetic diseases. Last evaluated: 2023-12-16. Review status: criteria provided, single submitter. Criteria: Ambry Variant Classification Scheme 2023. Collection method: clinical testing. Allele origin: germline.

Laboratorio de Genetica e Diagnostico Molecular, Hospital Israelita Albert Einstein
Classification: Likely benign. Last evaluated: 2020-06-02. Review status: criteria provided, single submitter. Criteria: ACMG Guidelines, 2015. Collection method: clinical testing. Allele origin: germline. Affected: yes.
Comment: ACMG classification criteria: BS1, BP4

NM_014991.6(WDFY3):c.4487C>T (p.Thr1496Ile)

Gene: WDFY3 (WD repeat and FYVE domain containing 3; minus strand). Cytogenetic location: 4q21.23.
Variant type: single nucleotide variant.
Coding change: c.4487C>T on transcript NM_014991.6 (MANE Select); coding-DNA position 4487, C replaced by T.
Protein change: p.Thr1496Ile; replaces threonine 1496 with isoleucine.
Molecular consequence: missense variant.
Genome position (GRCh38, 1-based): chr4:84,778,534, G>A on the plus strand (C>T on the coding strand, the complement: WDFY3 is on the minus strand). VCF-style: chr4-84778534-G-A. GRCh37 (hg19) VCF-style: chr4-85699687-G-A.
Other names: c.4487C>T (NM_014991.4); short protein forms T1496I.
Identifiers: ClinVar variation 1690885 (VCV001690885.3), dbSNP rs140019647, ClinGen allele CA2993270.